The following is an entry in ClinVar:

NM_001143985.1(BANF1):c.-408C>T

Genes: BANF1 (barrier to autointegration nuclear assembly factor 1; plus strand), EIF1AD (eukaryotic translation initiation factor 1A domain containing; minus strand), LOC130006089 (ATAC-STARR-seq lymphoblastoid active region 5025; plus strand). Cytogenetic location: 11q13.1.
Variant type: single nucleotide variant.
Coding change: c.-408C>T on transcript NM_001143985.1; 408 bases upstream of the start codon, C replaced by T.
Molecular consequence: 5 prime UTR variant (on NM_001242481.2).
Genome position (GRCh38, 1-based): chr11:66,002,122, C>T. VCF-style: chr11-66002122-C-T. GRCh37 (hg19) VCF-style: chr11-65769593-C-T.
Other names: c.-329G>A (NM_001242481.2); c.-305G>A (NM_001242482.2); c.-230G>A (NM_001242483.2); c.-199G>A (NM_001242484.2); c.-175G>A (NM_001242485.2); c.-100G>A (NM_001242486.2); c.-300G>A (NM_032325.4).
Identifiers: ClinVar variation 305396 (VCV000305396.7), dbSNP rs117774800, ClinGen allele CA10631228.

ClinVar aggregate classification (germline): Likely benign (1 of 4 stars; one submission).

Conditions:
Nestor-Guillermo progeria syndrome (NGPS). Also called: PROGERIA SYNDROME, CHILDHOOD-ONSET, WITH OSTEOLYSIS. Identifiers: Orphanet 280576, MedGen C3151446, MONDO:0013523, OMIM 614008.

Allele frequency attached by ClinVar (database versions not stated): TOPMed 0.00070; 1000 Genomes Project 0.00319; gnomAD 0.00044 and 0.00057; 1000 Genomes Project 30x 0.00265.

Submission:

Illumina Laboratory Services, Illumina
Classification: Likely benign for Nestor-Guillermo progeria syndrome. Last evaluated: 2018-01-13. Review status: criteria provided, single submitter. Criteria: ICSL Variant Classification Criteria 13 December 2019. Collection method: clinical testing. Allele origin: germline.
Comment: This variant was observed in the ICSL laboratory as part of a predisposition screen in an ostensibly healthy population. It had not been previously curated by ICSL or reported in the Human Gene Mutation Database (HGMD: prior to June 1st, 2018), and was therefore a candidate for classification through an automated scoring system. Utilizing variant allele frequency, disease prevalence and penetrance estimates, and inheritance mode, an automated score was calculated to assess if this variant is too frequent to cause the disease. Based on the score and internal cut-off values, a variant classified as likely benign is not then subjected to further curation. The score for this variant resulted in a classification of likely benign for this disease.